The following is an entry in ClinVar:

NM_000321.3(RB1):c.2072_2075del (p.Glu691fs)

Gene: RB1 (RB transcriptional corepressor 1; plus strand). Cytogenetic location: 13q14.2.
Variant type: Deletion.
Coding change: c.2072_2075del on transcript NM_000321.3 (MANE Select); coding-DNA positions 2072 to 2075, 4 bases deleted (AGTA; older notation c.2072_2075delAGTA).
Protein change: p.Glu691fs; shifts the reading frame from glutamic acid 691.
Molecular consequence: frameshift variant.
Genome position (GRCh38, 1-based): chr13:48,459,799-48,459,802, AGTA deleted. VCF-style (leftmost placement, unchanged base first): chr13-48459798-GAGTA-G. GRCh37 (hg19) VCF-style: chr13-49033934-GAGTA-G.
Other names: c.2072_2075del, p.Glu691fs (NM_001407165.1); short protein forms E691fs.
Identifiers: ClinVar variation 3237061 (VCV003237061.1), dbSNP rs2542368476.

ClinVar aggregate classification (germline): Pathogenic (1 of 4 stars; one submission).

Conditions:
Retinoblastoma (RB1). Also called: RETINOBLASTOMA, SOMATIC. Identifiers: Orphanet 790, MedGen C0035335, MeSH D012175, MONDO:0008380, OMIM 180200, HP:0009919. Disease mechanism: loss of function. Inheritance: Both sporadic and heritable forms are tested..

Submission:

Genetic Diagnostic Laboratory, University of Pennsylvania School of Medicine
Classification: Pathogenic for Retinoblastoma. Last evaluated: 2024-05-20. Review status: criteria provided, single submitter. Criteria: ACMG Guidelines, 2015. Collection method: clinical testing. Allele origin: germline. Affected: yes. Observed: 1 variant allele.
Comment: Case and Pedigree Information: BILATERAL CASES:1, UNILATERAL CASES:0, TOTAL CASES:1, PEDIGREES:1. ACMG Codes Applied:PVS1, PM2